The following is an entry in ClinVar:

NM_015272.5(RPGRIP1L):c.3134C>G (p.Ser1045Cys)

Gene: RPGRIP1L (RPGRIP1 like; minus strand). Cytogenetic location: 16q12.2.
Variant type: single nucleotide variant.
Coding change: c.3134C>G on transcript NM_015272.5 (MANE Select); coding-DNA position 3134, C replaced by G.
Protein change: p.Ser1045Cys; replaces serine 1045 with cysteine.
Molecular consequence: missense variant.
Genome position (GRCh38, 1-based): chr16:53,637,781, G>C on the plus strand (C>G on the coding strand, the complement: RPGRIP1L is on the minus strand). VCF-style: chr16-53637781-G-C. GRCh37 (hg19) VCF-style: chr16-53671693-G-C.
Other names: c.3032C>G, p.Ser1011Cys (NM_001127897.4, NM_001330538.2); c.3134C>G, p.Ser1045Cys (NM_001308334.3); short protein forms S1011C, S1045C.
Identifiers: ClinVar variation 1910490 (VCV001910490.5), dbSNP rs1429389959, ClinGen allele CA395926307.

ClinVar aggregate classification (germline): Uncertain significance (1 of 4 stars; one submission).

Conditions:
Joubert syndrome. Also called: CEREBELLOPARENCHYMAL DISORDER IV; JOUBERT-BOLTSHAUSER SYNDROME; Familial aplasia of the vermis. Identifiers: Orphanet 475, MedGen C5979921, MONDO:0018772.
Meckel-Gruber syndrome. Also called: DYSENCEPHALIA SPLANCHNOCYSTICA; GRUBER SYNDROME; Dysencephalia splachnocystica. Identifiers: Orphanet 564, MedGen C0265215, MONDO:0018921.

Allele frequency attached by ClinVar (database versions not stated): TOPMed 0.00001.

Submission:

Labcorp Genetics (formerly Invitae), Labcorp
Classification: Uncertain significance for Joubert syndrome; Meckel-Gruber syndrome. Last evaluated: 2023-06-16. Review status: criteria provided, single submitter. Criteria: Invitae Variant Classification Sherloc (09022015). Collection method: clinical testing. Allele origin: germline.
Comment: This sequence change replaces serine, which is neutral and polar, with cysteine, which is neutral and slightly polar, at codon 1045 of the RPGRIP1L protein (p.Ser1045Cys). This variant is not present in population databases (gnomAD no frequency). This variant has not been reported in the literature in individuals affected with RPGRIP1L-related conditions. ClinVar contains an entry for this variant (Variation ID: 1910490). Advanced modeling of protein sequence and biophysical properties (such as structural, functional, and spatial information, amino acid conservation, physicochemical variation, residue mobility, and thermodynamic stability) performed at Invitae indicates that this missense variant is expected to disrupt RPGRIP1L protein function. In summary, the available evidence is currently insufficient to determine the role of this variant in disease. Therefore, it has been classified as a Variant of Uncertain Significance.